The following is an entry in ClinVar:

NM_000540.3(RYR1):c.7825T>G (p.Ser2609Ala)

Gene: RYR1 (ryanodine receptor 1; plus strand). Cytogenetic location: 19q13.2.
Variant type: single nucleotide variant.
Coding change: c.7825T>G on transcript NM_000540.3 (MANE Select); coding-DNA position 7825, T replaced by G.
Protein change: p.Ser2609Ala; replaces serine 2609 with alanine.
Molecular consequence: missense variant.
Genome position (GRCh38, 1-based): chr19:38,502,717, T>G. VCF-style: chr19-38502717-T-G. GRCh37 (hg19) VCF-style: chr19-38993357-T-G.
Other names: c.7825T>G, p.Ser2609Ala (NM_001042723.2); short protein forms S2609A.
Identifiers: ClinVar variation 2718071 (VCV002718071.4), dbSNP rs1248709169, ClinGen allele CA405673031.

ClinVar aggregate classification (germline): Uncertain significance. Review status: criteria provided, multiple submitters, no conflicts (2 of 4 stars). 2 submissions from 2 submitters: Uncertain significance (2). Last evaluated 2023-10-29.

Conditions:
Malignant hyperthermia, susceptibility to, 1 (MHS1). Also called: Anesthesia related hyperthermia; Malignant hyperpyrexia; Fulminating hyperpyrexia; Pharmacogenic myopathy; Malignant hyperthermia suceptibility 1; RYR1-Related Malignant Hyperthermia Susceptibility. Identifiers: Orphanet 423, MedGen C2930980, MONDO:0007783, OMIM 145600.
RYR1-related disorder. Also called: RYR1-related condition; RYR1-related disorders. Identifiers: MedGen CN239331.

Allele frequency attached by ClinVar (database versions not stated): gnomAD exomes 0.00001.
gnomAD v4.1: 7 of 1,502,884 alleles (0.00047%); highest among the groups gnomAD compares: Non-Finnish European, 0.00063%; no homozygotes.

Submissions (2):

Labcorp Genetics (formerly Invitae), Labcorp
Classification: Uncertain significance for RYR1-related disorder. Last evaluated: 2023-10-29. Review status: criteria provided, single submitter. Criteria: Invitae Variant Classification Sherloc (09022015). Collection method: clinical testing. Allele origin: germline.
Comment: This sequence change replaces serine, which is neutral and polar, with alanine, which is neutral and non-polar, at codon 2609 of the RYR1 protein (p.Ser2609Ala). This variant is present in population databases (no rsID available, gnomAD 0.0009%). This variant has not been reported in the literature in individuals affected with RYR1-related conditions. Advanced modeling of protein sequence and biophysical properties (such as structural, functional, and spatial information, amino acid conservation, physicochemical variation, residue mobility, and thermodynamic stability) performed at Invitae indicates that this missense variant is not expected to disrupt RYR1 protein function with a negative predictive value of 95%. In summary, the available evidence is currently insufficient to determine the role of this variant in disease. Therefore, it has been classified as a Variant of Uncertain Significance.

All of Us Research Program, National Institutes of Health
Classification: Uncertain significance for Malignant hyperthermia, susceptibility to, 1. Last evaluated: 2023-10-06. Review status: criteria provided, single submitter. Criteria: ACMG Guidelines, 2015. Collection method: clinical testing. Allele origin: germline. Inheritance: Autosomal dominant inheritance. Observed: 1 variant allele, 1 heterozygote.
Comment: This missense variant replaces serine with alanine at codon 2609 of the RYR1 protein. Computational prediction suggests that this variant may not impact protein structure and function (internally defined REVEL score threshold <= 0.5, PMID: 27666373). To our knowledge, functional studies have not been reported for this variant. This variant has not been reported in individuals affected with RYR1-related disorders in the literature. This variant has been identified in 1/243298 chromosomes in the general population by the Genome Aggregation Database (gnomAD). The available evidence is insufficient to determine the role of this variant in disease conclusively. Therefore, this variant is classified as a Variant of Uncertain Significance.

This study involves interpretation of variants in research participants for the purpose of population health screening. Participant phenotype was not available at the time of variant classification. Additional details can be found in publication PMID: 35346344, PMCID: PMC8962531